The following is an entry in ClinVar:

ClinVar aggregate classification (germline): Uncertain significance. Review status: criteria provided, multiple submitters, no conflicts (2 of 4 stars). 2 submissions from 2 submitters: Uncertain significance (2). Last evaluated 2025-04-01.

Conditions:
Spastic paraplegia. Identifiers: MedGen C0037772, HP:0001258.

Allele frequency attached by ClinVar (database versions not stated): gnomAD 0.00001; gnomAD exomes 0.00002; TOPMed 0.00003; ExAC 0.00002.
gnomAD v4.1: 36 of 1,590,942 alleles (0.0023%); highest among the groups gnomAD compares: Admixed American, 0.0034%; no homozygotes.

Submissions (2):

CeGaT Center for Human Genetics Tuebingen
Classification: Uncertain significance. Last evaluated: 2025-04-01. Review status: criteria provided, single submitter. Criteria: CeGaT Center For Human Genetics Tuebingen Variant Classification Criteria Version 2. Collection method: clinical testing. Allele origin: germline. Affected: yes. Observed: 1 variant allele.
Comment: B4GALNT1: PM2

Labcorp Genetics (formerly Invitae), Labcorp
Classification: Uncertain significance for Spastic paraplegia. Last evaluated: 2023-10-16. Review status: criteria provided, single submitter. Criteria: Invitae Variant Classification Sherloc (09022015). Collection method: clinical testing. Allele origin: germline.
Comment: This sequence change replaces alanine, which is neutral and non-polar, with valine, which is neutral and non-polar, at codon 393 of the B4GALNT1 protein (p.Ala393Val). The frequency data for this variant in the population databases is considered unreliable, as metrics indicate poor data quality at this position in the gnomAD database. This variant has not been reported in the literature in individuals affected with B4GALNT1-related conditions. ClinVar contains an entry for this variant (Variation ID: 2054200). An algorithm developed to predict the effect of missense changes on protein structure and function (PolyPhen-2) suggests that this variant¬†is likely to be tolerated. Algorithms developed to predict the effect of sequence changes on RNA splicing suggest that this variant may create or strengthen a splice site. In summary, the available evidence is currently insufficient to determine the role of this variant in disease. Therefore, it has been classified as a Variant of Uncertain Significance.

NM_001478.5(B4GALNT1):c.1178C>T (p.Ala393Val)

Gene: B4GALNT1 (beta-1,4-N-acetyl-galactosaminyltransferase 1; minus strand). Cytogenetic location: 12q13.3.
Variant type: single nucleotide variant.
Coding change: c.1178C>T on transcript NM_001478.5 (MANE Select); coding-DNA position 1178, C replaced by T.
Protein change: p.Ala393Val; replaces alanine 393 with valine.
Molecular consequence: missense variant.
Genome position (GRCh38, 1-based): chr12:57,627,824, G>A on the plus strand (C>T on the coding strand, the complement: B4GALNT1 is on the minus strand). VCF-style: chr12-57627824-G-A. GRCh37 (hg19) VCF-style: chr12-58021607-G-A.
Other names: c.1013C>T, p.Ala338Val (NM_001276468.2, NM_001413978.1); c.1346C>T, p.Ala449Val (NM_001413967.1); c.1313C>T, p.Ala438Val (NM_001413968.1, NM_001413969.1); c.1211C>T, p.Ala404Val (NM_001413970.1, NM_001413971.1, NM_001413972.1); c.1178C>T, p.Ala393Val (NM_001413973.1, NM_001413974.1); c.1079C>T, p.Ala360Val (NM_001413977.1); c.326C>T, p.Ala109Val (NM_001413981.1); c.224C>T, p.Ala75Val (NM_001413982.1); and 1 more; short protein forms A338V, A393V, A438V, A449V, A109V, A404V, A64V, A360V.
Identifiers: ClinVar variation 2054200 (VCV002054200.9), dbSNP rs770040424, ClinGen allele CA6655498.